The following is an entry in ClinVar:

NM_004628.5(XPC):c.1984G>T (p.Glu662Ter)

Gene: XPC (XPC complex subunit, DNA damage recognition and repair factor; minus strand). Cytogenetic location: 3p25.1.
Variant type: single nucleotide variant.
Coding change: c.1984G>T on transcript NM_004628.5 (MANE Select); coding-DNA position 1984, G replaced by T.
Protein change: p.Glu662Ter; replaces glutamic acid 662 with a stop codon.
Molecular consequence: nonsense. On other transcripts: intron variant (1).
Genome position (GRCh38, 1-based): chr3:14,156,384, C>A on the plus strand (G>T on the coding strand, the complement: XPC is on the minus strand). VCF-style: chr3-14156384-C-A. GRCh37 (hg19) VCF-style: chr3-14197884-C-A.
Other names: c.1405G>T, p.Glu469Ter (NM_001354726.2); c.1966G>T, p.Glu656Ter (NM_001354729.2); c.1738G>T, p.Glu580Ter (NM_001354730.2); c.1872+1627G>T (NM_001354727.2); short protein forms E580*, E469*, E662*, E656*.
Identifiers: ClinVar variation 949528 (VCV000949528.7), dbSNP rs372048184, ClinGen allele CA351538596.

ClinVar aggregate classification (germline): Pathogenic (1 of 4 stars; one submission).

Submission:

Labcorp Genetics (formerly Invitae), Labcorp
Classification: Pathogenic. Last evaluated: 2019-07-04. Review status: criteria provided, single submitter. Criteria: Invitae Variant Classification Sherloc (09022015). Collection method: clinical testing. Allele origin: germline.
Comment: For these reasons, this variant has been classified as Pathogenic. Loss-of-function variants in XPC are known to be pathogenic (PMID: 23173980, 25256075). This variant has not been reported in the literature in individuals with XPC-related conditions. This variant is not present in population databases (ExAC no frequency). This sequence change creates a premature translational stop signal (p.Glu662*) in the XPC gene. It is expected to result in an absent or disrupted protein product.

Literature cited by the submitters: PubMed 23173980; PubMed 25256075.